The following is an entry in ClinVar:

NM_000038.6(APC):c.3862G>C (p.Gly1288Arg)

Gene: APC (APC regulator of Wnt signaling pathway; plus strand). Cytogenetic location: 5q22.2.
Variant type: single nucleotide variant.
Coding change: c.3862G>C on transcript NM_000038.6 (MANE Select); coding-DNA position 3862, G replaced by C.
Protein change: p.Gly1288Arg; replaces glycine 1288 with arginine.
Molecular consequence: missense variant.
Genome position (GRCh38, 1-based): chr5:112,839,456, G>C. VCF-style: chr5-112839456-G-C. GRCh37 (hg19) VCF-style: chr5-112175153-G-C.
Other names: c.3862G>C, p.Gly1288Arg (NM_001127510.3, NM_001354895.2); c.3808G>C, p.Gly1270Arg (NM_001127511.3); c.3916G>C, p.Gly1306Arg (NM_001354896.2); c.3892G>C, p.Gly1298Arg (NM_001354897.2); c.3787G>C, p.Gly1263Arg (NM_001354898.2); c.3778G>C, p.Gly1260Arg (NM_001354899.2); c.3739G>C, p.Gly1247Arg (NM_001354900.2); c.3685G>C, p.Gly1229Arg (NM_001354901.2); and 5 more; short protein forms G1128R, G1270R, G1288R, G1162R, G1247R, G1263R, G1005R, G1197R.
Identifiers: ClinVar variation 919498 (VCV000919498.7), dbSNP rs765608881, ClinGen allele CA16029805.

ClinVar aggregate classification (germline): Uncertain significance. Review status: criteria provided, multiple submitters, no conflicts (2 of 4 stars). 3 submissions from 3 submitters: Uncertain significance (3). Last evaluated 2023-10-02.

Conditions:
Hereditary cancer-predisposing syndrome. Also called: Neoplastic Syndromes, Hereditary; Tumor predisposition; Hereditary Cancer Syndrome; Hereditary neoplastic syndrome. Identifiers: Orphanet 140162, MedGen C0027672, MeSH D009386, MONDO:0015356.
Classic or attenuated familial adenomatous polyposis. Identifiers: MedGen CN372698, MONDO:0021057.

gnomAD v4.1: 1 of 1,614,138 alleles (0.000062%); no homozygotes.

Submissions (3):

All of Us Research Program, National Institutes of Health
Classification: Uncertain significance for Classic or attenuated familial adenomatous polyposis. Last evaluated: 2023-10-02. Review status: criteria provided, single submitter. Criteria: ACMG Guidelines, 2015. Collection method: clinical testing. Allele origin: germline. Inheritance: Autosomal dominant inheritance. Observed: 1 variant allele, 1 heterozygote.
Comment: This missense variant replaces glycine with arginine at codon 1288 in the APC protein. Computational prediction suggests that this variant may not impact protein structure and function (internally defined REVEL score threshold <= 0.5, PMID: 27666373). To our knowledge, functional studies have not been reported for this variant. This variant has not been reported in individuals affected with APC-related disorders in the literature. This variant has not been identified in the general population by the Genome Aggregation Database (gnomAD). The available evidence is insufficient to determine the role of this variant in disease conclusively. Therefore, this variant is classified as a Variant of Uncertain Significance.

This study involves interpretation of variants in research participants for the purpose of population health screening. Participant phenotype was not available at the time of variant classification. Additional details can be found in publication PMID: 35346344, PMCID: PMC8962531

Color Diagnostics, LLC DBA Color Health
Classification: Uncertain significance for Hereditary cancer-predisposing syndrome. Last evaluated: 2023-09-06. Review status: criteria provided, single submitter. Criteria: ACMG Guidelines, 2015. Collection method: clinical testing. Allele origin: germline.
Comment: This missense variant replaces glycine with arginine at codon 1288 in the APC protein. Computational prediction suggests that this variant may not impact protein structure and function (internally defined REVEL score threshold <= 0.5, PMID: 27666373). To our knowledge, functional studies have not been reported for this variant. This variant has not been reported in individuals affected with APC-related disorders in the literature. This variant has not been identified in the general population by the Genome Aggregation Database (gnomAD). The available evidence is insufficient to determine the role of this variant in disease conclusively. Therefore, this variant is classified as a Variant of Uncertain Significance.

Ambry Genetics
Classification: Uncertain significance for Hereditary cancer-predisposing syndrome. Last evaluated: 2020-10-12. Review status: criteria provided, single submitter. Criteria: Ambry Variant Classification Scheme 2023. Collection method: clinical testing. Allele origin: germline.
Comment: The p.G1288R variant (also known as c.3862G>C), located in coding exon 15 of the APC gene, results from a G to C substitution at nucleotide position 3862. The glycine at codon 1288 is replaced by arginine, an amino acid with dissimilar properties. This amino acid position is well conserved in available vertebrate species. In addition, in silico predictors for this gene do not accurately predict pathogenicity. Since supporting evidence is limited at this time, the clinical significance of this alteration remains unclear.